The following is an entry in ClinVar:

NM_020937.4(FANCM):c.201G>T (p.Gln67His)

Gene: FANCM (FA complementation group M; plus strand). Cytogenetic location: 14q21.2.
Variant type: single nucleotide variant.
Coding change: c.201G>T on transcript NM_020937.4 (MANE Select); coding-DNA position 201, G replaced by T.
Protein change: p.Gln67His; replaces glutamine 67 with histidine.
Molecular consequence: missense variant.
Genome position (GRCh38, 1-based): chr14:45,136,232, G>T. VCF-style: chr14-45136232-G-T. GRCh37 (hg19) VCF-style: chr14-45605435-G-T.
Other names: c.201G>T, p.Gln67His (NM_001308133.2, NM_001308134.2); short protein forms Q67H.
Identifiers: ClinVar variation 969503 (VCV000969503.17), dbSNP rs761398438, ClinGen allele CA7168717.
Genomic context (GRCh38, chr14:45,136,232, plus strand): 5'-GGCTCAGCTGGAGTCGGACGATGATGTGTTGCTTGTCGCGGCGTACGAGGCTGAGCGGCA[G>T]TTGTGTCTAGAGAATGGCGGGTTCTGCACCTCCGCGGGCGCCCTGTGGATTTACCCTACC-3'
Protein context (NP_065988.1, residues 57-77): LLVAAYEAER[Gln67His]LCLENGGFCT

ClinVar aggregate classification (germline): Uncertain significance. Review status: criteria provided, multiple submitters, no conflicts (2 of 4 stars). 4 submissions from 4 submitters: Uncertain significance (4). Last evaluated 2025-01-09.

Conditions:
Inborn genetic diseases. Identifiers: MedGen C0950123, MeSH D030342.
Fanconi anemia (FA). Also called: Fanconi's anemia. Identifiers: Orphanet 84, MedGen C0015625, MeSH D005199, MONDO:0019391.

Allele frequency attached by ClinVar (database versions not stated): gnomAD 0.00001; gnomAD exomes 0.00001; TOPMed 0.00001; ExAC 0.00002.
gnomAD v4.1: 13 of 1,614,074 alleles (0.00081%); highest among the groups gnomAD compares: East Asian, 0.0022%; no homozygotes.

Submissions (4):

Ambry Genetics
Classification: Uncertain significance for Inborn genetic diseases. Last evaluated: 2025-01-09. Review status: criteria provided, single submitter. Criteria: Ambry Variant Classification Scheme 2023. Collection method: clinical testing. Allele origin: germline.
Comment: The p.Q67H variant (also known as c.201G>T), located in coding exon 1 of the FANCM gene, results from a G to T substitution at nucleotide position 201. The glutamine at codon 67 is replaced by histidine, an amino acid with highly similar properties. This amino acid position is conserved. In addition, this alteration is predicted to be tolerated by in silico analysis. Based on the available evidence, the clinical significance of this variant remains unclear.

GeneDx
Classification: Uncertain significance. Last evaluated: 2023-10-17. Review status: criteria provided, single submitter. Criteria: GeneDx Variant Classification Process June 2021. Collection method: clinical testing. Allele origin: germline. Affected: yes.
Comment: Not observed at significant frequency in large population cohorts (gnomAD); In silico analysis supports that this missense variant does not alter protein structure/function; Has not been previously published as pathogenic or benign to our knowledge

Quest Diagnostics Nichols Institute San Juan Capistrano
Classification: Uncertain significance. Last evaluated: 2021-08-30. Review status: criteria provided, single submitter. Criteria: Quest Diagnostics criteria. Collection method: clinical testing. Allele origin: unknown.

Labcorp Genetics (formerly Invitae), Labcorp
Classification: Uncertain significance for Fanconi anemia. Last evaluated: 2020-11-21. Review status: criteria provided, single submitter. Criteria: Invitae Variant Classification Sherloc (09022015). Collection method: clinical testing. Allele origin: germline.
Comment: In summary, the available evidence is currently insufficient to determine the role of this variant in disease. Therefore, it has been classified as a Variant of Uncertain Significance. Algorithms developed to predict the effect of missense changes on protein structure and function are either unavailable or do not agree on the potential impact of this missense change (SIFT: "Tolerated"; PolyPhen-2: "Possibly Damaging"; Align-GVGD: "Class C0"). This variant has not been reported in the literature in individuals with FANCM-related conditions. ClinVar contains an entry for this variant (Variation ID: 969503). This sequence change replaces glutamine with histidine at codon 67 of the FANCM protein (p.Gln67His). The glutamine residue is weakly conserved and there is a small physicochemical difference between glutamine and histidine. This variant is present in population databases (rs761398438, ExAC 0.02%).